The following is an entry in ClinVar:

NM_006059.4(LAMC3):c.999C>T (p.Ser333=)

Gene: LAMC3 (laminin subunit gamma 3; plus strand). Cytogenetic location: 9q34.12.
Variant type: single nucleotide variant.
Coding change: c.999C>T on transcript NM_006059.4 (MANE Select); coding-DNA position 999, C replaced by T.
Protein change: p.Ser333=; no amino-acid change (serine 333 retained).
Molecular consequence: synonymous variant.
Genome position (GRCh38, 1-based): chr9:131,038,886, C>T. VCF-style: chr9-131038886-C-T. GRCh37 (hg19) VCF-style: chr9-133914273-C-T.
Other names: c.999C>T (NM_006059.3).
Identifiers: ClinVar variation 1450234 (VCV001450234.11), dbSNP rs777117087, ClinGen allele CA5286906.
Genomic context (GRCh38, chr9:131,038,886, plus strand): 5'-CAGGGGACTCACACACCTTTCCCCACTCCTGCCCATAGCCTGCAACTGCAGTGGCCGCTC[C>T]GAGGAATGCACGTTTGATCGGGAGCTCTTCCGCAGCACAGGCCACGGCGGGCGCTGTCAC-3'
Protein context (NP_006050.3, residues 323-343): ECLPCNCSGR[Ser333=]EECTFDRELF

ClinVar aggregate classification (germline): Likely benign. Review status: criteria provided, multiple submitters, no conflicts (2 of 4 stars). 3 submissions from 3 submitters: Likely benign (2). 1 of the submissions does not count toward it. Last evaluated 2025-01-12.

Conditions:
LAMC3-related disorder. Also called: LAMC3-related condition.

Allele frequency attached by ClinVar (database versions not stated): gnomAD 0.00004 and 0.00006; TOPMed 0.00004; ExAC 0.00008.
gnomAD v4.1: 85 of 1,613,218 alleles (0.0053%); highest among the groups gnomAD compares: East Asian, 0.053%; no homozygotes.

Submissions (3):

Labcorp Genetics (formerly Invitae), Labcorp
Classification: Likely benign. Last evaluated: 2025-01-12. Review status: criteria provided, single submitter. Criteria: Invitae Variant Classification Sherloc (09022015). Collection method: clinical testing. Allele origin: germline.

Blueprint Genetics
Classification: Likely benign. Last evaluated: 2024-04-12. Review status: criteria provided, single submitter. Criteria: ACMG Guidelines, 2015. Collection method: clinical testing. Allele origin: germline.

PreventionGenetics, part of Exact Sciences
Classification: Likely benign for LAMC3-related condition. Last evaluated: 2019-02-21. Review status: no assertion criteria provided. Collection method: clinical testing. Allele origin: germline. Not counted in ClinVar's aggregate classification.
Comment: This variant is classified as likely benign based on ACMG/AMP sequence variant interpretation guidelines (Richards et al. 2015 PMID: 25741868, with internal and published modifications).